The following is an entry in ClinVar:

NM_000965.5(RARB):c.694A>C (p.Ile232Leu)

Gene: RARB (retinoic acid receptor beta; plus strand). Cytogenetic location: 3p24.2.
Variant type: single nucleotide variant.
Coding change: c.694A>C on transcript NM_000965.5 (MANE Select); coding-DNA position 694, A replaced by C.
Protein change: p.Ile232Leu; replaces isoleucine 232 with leucine.
Molecular consequence: missense variant. On other transcripts: non-coding transcript variant (2).
Genome position (GRCh38, 1-based): chr3:25,580,630, A>C. VCF-style: chr3-25580630-A-C. GRCh37 (hg19) VCF-style: chr3-25622121-A-C.
Other names: c.715A>C, p.Ile239Leu (NM_001290216.3); c.358A>C, p.Ile120Leu (NM_001290217.2, NM_001290276.2, NM_016152.4); c.547A>C, p.Ile183Leu (NM_001290266.2); c.694A>C, p.Ile232Leu (NM_001290277.1); c.565A>C, p.Ile189Leu (NM_001290300.2); short protein forms I183L, I189L, I239L, I120L, I232L.
Identifiers: ClinVar variation 5009274 (VCV005009274.1).
Genomic context (GRCh38, chr3:25,580,630, plus strand): 5'-CGACTGGACCTGGGCCTCTGGGACAAATTCAGTGAACTGGCCACCAAGTGCATTATTAAG[A>C]TCGTGGAGTTTGCTAAACGTCTGCCTGGTTTCACTGGCTTGACCATCGCAGACCAAATTA-3'
Protein context (NP_000956.2, residues 222-242): SELATKCIIK[Ile232Leu]VEFAKRLPGF

ClinVar aggregate classification (germline): Uncertain significance (1 of 4 stars; one submission).

Submission:

GeneDx
Classification: Uncertain significance. Last evaluated: 2026-03-18. Review status: criteria provided, single submitter. Criteria: GeneDx Variant Classification Process June 2021. Collection method: clinical testing. Allele origin: germline.
Comment: Not observed at significant frequency in large population cohorts (gnomAD); In silico analysis suggests that this missense variant does not alter protein structure/function; Has not been previously published as pathogenic or benign to our knowledge